The following is an entry in ClinVar:

ClinVar aggregate classification (germline): Benign/Likely benign. Review status: criteria provided, multiple submitters, no conflicts (2 of 4 stars). 3 submissions from 3 submitters: Benign (2); Likely benign (1). Last evaluated 2026-01-26.

Allele frequency attached by ClinVar (database versions not stated): gnomAD 0.00371 and 0.00394; TOPMed 0.00411; 1000 Genomes Project 30x 0.00547; 1000 Genomes Project 0.00559; gnomAD exomes 0.00091; ExAC 0.00115; ESP Exome Variant Server 0.00369.
gnomAD v4.1: 1,121 of 1,613,806 alleles (0.069%); highest among the groups gnomAD compares: African/African-American, 1.4%; 5 homozygotes.

Submissions (3):

Labcorp Genetics (formerly Invitae), Labcorp
Classification: Benign. Last evaluated: 2026-01-26. Review status: criteria provided, single submitter. Criteria: Invitae Variant Classification Sherloc (09022015). Collection method: clinical testing. Allele origin: germline.

Blueprint Genetics
Classification: Likely benign. Last evaluated: 2024-11-12. Review status: criteria provided, single submitter. Criteria: ACMG Guidelines, 2015. Collection method: clinical testing. Allele origin: germline.

CeGaT Center for Human Genetics Tuebingen
Classification: Benign. Last evaluated: 2023-06-01. Review status: criteria provided, single submitter. Criteria: CeGaT Center For Human Genetics Tuebingen Variant Classification Criteria Version 2. Collection method: clinical testing. Allele origin: germline. Affected: yes. Observed: 1 variant allele.
Comment: MERTK: BP4, BP7, BS1, BS2

NM_006343.3(MERTK):c.1287A>G (p.Ala429=)

Gene: MERTK (MER proto-oncogene, tyrosine kinase; plus strand). Cytogenetic location: 2q13.
Variant type: single nucleotide variant.
Coding change: c.1287A>G on transcript NM_006343.3 (MANE Select); coding-DNA position 1287, A replaced by G.
Protein change: p.Ala429=; no amino-acid change (alanine 429 retained).
Molecular consequence: synonymous variant.
Genome position (GRCh38, 1-based): chr2:111,982,984, A>G. VCF-style: chr2-111982984-A-G. GRCh37 (hg19) VCF-style: chr2-112740561-A-G.
Identifiers: ClinVar variation 767815 (VCV000767815.35), dbSNP rs115203717, ClinGen allele CA1831316.